The following is an entry in ClinVar:

ClinVar aggregate classification (germline): Uncertain significance (1 of 4 stars; one submission).

gnomAD v4.1: 2 of 1,614,192 alleles (0.00012%); highest among the groups gnomAD compares: Non-Finnish European, 0.00017%; no homozygotes.

Submission:

GeneDx
Classification: Uncertain significance. Last evaluated: 2025-07-23. Review status: criteria provided, single submitter. Criteria: GeneDx Variant Classification Process June 2021. Collection method: clinical testing. Allele origin: germline. Affected: yes.
Comment: Not observed at significant frequency in large population cohorts (gnomAD); In silico analysis supports that this missense variant has a deleterious effect on protein structure/function; Has not been previously published as pathogenic or benign to our knowledge; Does not affect a cysteine or calcium-binding residue within an EGF-like domain or a TGF-binding protein domain of the FBN1 gene; cysteine substitutions in the EGF-like domains represent the majority of pathogenic missense changes associated with FBN1-related disorders (PMID: 12938084); This variant is associated with the following publications: (PMID: 12938084)

NM_000138.5(FBN1):c.579G>C (p.Gln193His)

Gene: FBN1 (fibrillin 1; minus strand). Cytogenetic location: 15q21.1.
Variant type: single nucleotide variant.
Coding change: c.579G>C on transcript NM_000138.5 (MANE Select); coding-DNA position 579, G replaced by C.
Protein change: p.Gln193His; replaces glutamine 193 with histidine.
Molecular consequence: missense variant.
Genome position (GRCh38, 1-based): chr15:48,537,768, C>G on the plus strand (G>C on the coding strand, the complement: FBN1 is on the minus strand). VCF-style: chr15-48537768-C-G. GRCh37 (hg19) VCF-style: chr15-48829965-C-G.
Other names: c.579G>C, p.Gln193His (NM_001406716.1, NM_001406717.1); short protein forms Q193H.
Identifiers: ClinVar variation 4686865 (VCV004686865.1).
Genomic context (GRCh38, chr15:48,537,768, plus strand): 5'-GACTGTGGCACAGCAGAGCGTTTTTGTGCAGACAATCCCGCTGAGTTGTCCCTGGCACAT[C>G]TGGTTGCTGATCACAGTAAAACATGGGCCTGTCCTGTAATCTGAAAATAAAGAATAAAAA-3'
Protein context (NP_000129.3, residues 183-203): TGPCFTVISN[Gln193His]MCQGQLSGIV